The following is an entry in ClinVar:

ClinVar aggregate classification (germline): Uncertain significance (1 of 4 stars; one submission).

Allele frequency attached by ClinVar (database versions not stated): gnomAD exomes below 0.00001.
gnomAD v4.1: 3 of 1,610,300 alleles (0.00019%); highest among the groups gnomAD compares: East Asian, 0.0022%; no homozygotes.

Submission:

Ambry Genetics
Classification: Uncertain significance. Last evaluated: 2023-03-24. Review status: criteria provided, single submitter. Criteria: Ambry Variant Classification Scheme 2023. Collection method: clinical testing. Allele origin: germline.
Comment: The p.P9L variant (also known as c.26C>T), located in coding exon 1 of the EGLN2 gene, results from a C to T substitution at nucleotide position 26. The proline at codon 9 is replaced by leucine, an amino acid with similar properties. This amino acid position is conserved. In addition, this alteration is predicted to be tolerated by in silico analysis. Since supporting evidence is limited at this time, the clinical significance of this alteration remains unclear.

NM_080732.4(EGLN2):c.26C>T (p.Pro9Leu)

Genes: EGLN2 (egl-9 family hypoxia inducible factor 2; plus strand), RAB4B-EGLN2 (RAB4B-EGLN2 readthrough (NMD candidate); plus strand). Cytogenetic location: 19q13.2.
Variant type: single nucleotide variant.
Coding change: c.26C>T on transcript NM_080732.4 (MANE Select); coding-DNA position 26, C replaced by T.
Protein change: p.Pro9Leu; replaces proline 9 with leucine.
Molecular consequence: missense variant. On other transcripts: non-coding transcript variant (1).
Genome position (GRCh38, 1-based): chr19:40,800,598, C>T. VCF-style: chr19-40800598-C-T. GRCh37 (hg19) VCF-style: chr19-41306503-C-T.
Other names: c.26C>T, p.Pro9Leu (NM_053046.4); short protein forms P9L.
Identifiers: ClinVar variation 2561823 (VCV002561823.2), dbSNP rs2515992448, ClinGen allele CA405954413.